The following is an entry in ClinVar:

NM_004064.5(CDKN1B):c.292G>T (p.Ala98Ser)

Gene: CDKN1B (cyclin dependent kinase inhibitor 1B; plus strand). Cytogenetic location: 12p13.1.
Variant type: single nucleotide variant.
Coding change: c.292G>T on transcript NM_004064.5 (MANE Select); coding-DNA position 292, G replaced by T.
Protein change: p.Ala98Ser; replaces alanine 98 with serine.
Molecular consequence: missense variant.
Genome position (GRCh38, 1-based): chr12:12,718,131, G>T. VCF-style: chr12-12718131-G-T. GRCh37 (hg19) VCF-style: chr12-12871065-G-T.
Other names: c.292G>T (NM_004064.3); short protein forms A98S.
Identifiers: ClinVar variation 469017 (VCV000469017.9), dbSNP rs749183658, ClinGen allele CA383970079.

ClinVar aggregate classification (germline): Uncertain significance. Review status: criteria provided, multiple submitters, no conflicts (2 of 4 stars). 2 submissions from 2 submitters: Uncertain significance (2). Last evaluated 2025-12-14.

Conditions:
Hereditary cancer-predisposing syndrome. Also called: Hereditary neoplastic syndrome; Neoplastic Syndromes, Hereditary; Tumor predisposition; Hereditary Cancer Syndrome. Identifiers: Orphanet 140162, MedGen C0027672, MeSH D009386, MONDO:0015356.
Multiple endocrine neoplasia type 4. Also called: MULTIPLE ENDOCRINE NEOPLASIA, TYPE IV. Identifiers: Orphanet 276152, MedGen C1970712, MONDO:0012552, OMIM 610755.

gnomAD v4.1: 1 of 1,614,144 alleles (0.000062%); highest among the groups gnomAD compares: Middle Eastern, 0.016%; no homozygotes.

Submissions (2):

Labcorp Genetics (formerly Invitae), Labcorp
Classification: Uncertain significance for Multiple endocrine neoplasia type 4. Last evaluated: 2025-12-14. Review status: criteria provided, single submitter. Criteria: Invitae Variant Classification Sherloc (09022015). Collection method: clinical testing. Allele origin: germline.
Comment: This sequence change replaces alanine, which is neutral and non-polar, with serine, which is neutral and polar, at codon 98 of the CDKN1B protein (p.Ala98Ser). This variant is not present in population databases (gnomAD no frequency). This variant has not been reported in the literature in individuals affected with CDKN1B-related conditions. ClinVar contains an entry for this variant (Variation ID: 469017). An algorithm developed to predict the effect of missense changes on protein structure and function (PolyPhen-2) suggests that this variant is likely to be tolerated. In summary, the available evidence is currently insufficient to determine the role of this variant in disease. Therefore, it has been classified as a Variant of Uncertain Significance.

Ambry Genetics
Classification: Uncertain significance for Hereditary cancer-predisposing syndrome. Last evaluated: 2025-09-01. Review status: criteria provided, single submitter. Criteria: Ambry Variant Classification Scheme 2023. Collection method: clinical testing. Allele origin: germline.
Comment: The p.A98S variant (also known as c.292G>T), located in coding exon 1 of the CDKN1B gene, results from a G to T substitution at nucleotide position 292. The alanine at codon 98 is replaced by serine, an amino acid with similar properties. This amino acid position is conserved. In addition, this alteration is predicted to be tolerated by in silico analysis. Based on the available evidence, the clinical significance of this variant remains unclear.